The following is an entry in ClinVar:

ClinVar aggregate classification (germline): Uncertain significance. Review status: criteria provided, multiple submitters, no conflicts (2 of 4 stars). 2 submissions from 2 submitters: Uncertain significance (2). Last evaluated 2026-05-27.

Conditions:
Hereditary cancer-predisposing syndrome. Also called: Hereditary neoplastic syndrome; Neoplastic Syndromes, Hereditary; Tumor predisposition; Hereditary Cancer Syndrome. Identifiers: Orphanet 140162, MedGen C0027672, MeSH D009386, MONDO:0015356.
Familial adenomatous polyposis 1 (FAP1). Also called: FAMILIAL ADENOMATOUS POLYPOSIS 1, ATTENUATED; POLYPOSIS, ADENOMATOUS INTESTINAL. Identifiers: MedGen C2713442, MONDO:0021056, OMIM 175100. Disease mechanism: loss of function.

Submissions (2):

Ambry Genetics
Classification: Uncertain significance for Hereditary cancer-predisposing syndrome. Last evaluated: 2026-05-27. Review status: criteria provided, single submitter. Criteria: Ambry Variant Classification Scheme 2023. Collection method: clinical testing. Allele origin: germline.

Labcorp Genetics (formerly Invitae), Labcorp
Classification: Uncertain significance for Familial adenomatous polyposis 1. Last evaluated: 2020-04-20. Review status: criteria provided, single submitter. Criteria: Invitae Variant Classification Sherloc (09022015). Collection method: clinical testing. Allele origin: germline.
Comment: This variant has not been reported in the literature in individuals with APC-related conditions. Algorithms developed to predict the effect of missense changes on protein structure and function are either unavailable or do not agree on the potential impact of this missense change (SIFT: "Deleterious"; PolyPhen-2: "Benign"; Align-GVGD: "Class C0"). In summary, the available evidence is currently insufficient to determine the role of this variant in disease. Therefore, it has been classified as a Variant of Uncertain Significance. This variant is not present in population databases (ExAC no frequency). This sequence change replaces asparagine with tyrosine at codon 818 of the APC protein (p.Asn818Tyr). The asparagine residue is highly conserved and there is a large physicochemical difference between asparagine and tyrosine.

NM_000038.6(APC):c.2452A>T (p.Asn818Tyr)

Gene: APC (APC regulator of Wnt signaling pathway; plus strand). Cytogenetic location: 5q22.2.
Variant type: single nucleotide variant.
Coding change: c.2452A>T on transcript NM_000038.6 (MANE Select); coding-DNA position 2452, A replaced by T.
Protein change: p.Asn818Tyr; replaces asparagine 818 with tyrosine.
Molecular consequence: missense variant.
Genome position (GRCh38, 1-based): chr5:112,838,046, A>T. VCF-style: chr5-112838046-A-T. GRCh37 (hg19) VCF-style: chr5-112173743-A-T.
Other names: c.2452A>T (NM_000038.5); c.2452A>T, p.Asn818Tyr (NM_001127510.3, NM_001354895.2); c.2398A>T, p.Asn800Tyr (NM_001127511.3); c.2506A>T, p.Asn836Tyr (NM_001354896.2); c.2482A>T, p.Asn828Tyr (NM_001354897.2); c.2377A>T, p.Asn793Tyr (NM_001354898.2); c.2368A>T, p.Asn790Tyr (NM_001354899.2); c.2329A>T, p.Asn777Tyr (NM_001354900.2); and 6 more; short protein forms N535Y, N658Y, N692Y, N717Y, N727Y, N759Y, N777Y, N790Y.
Identifiers: ClinVar variation 1020082 (VCV001020082.11), dbSNP rs1765186281, ClinGen allele CA16026718.